The following is an entry in ClinVar:

NM_004247.4(EFTUD2):c.1150-20_1150-4del

Gene: EFTUD2 (elongation factor Tu GTP binding domain containing 2; minus strand). Cytogenetic location: 17q21.31.
Variant type: Deletion.
Coding change: c.1150-20_1150-4del on transcript NM_004247.4 (MANE Select); 20 bases into the intron before coding-DNA position 1150 through 4 bases into the intron before coding-DNA position 1150, 17 bases deleted (GGTGTCTTACACCCTCA).
Molecular consequence: intron variant.
Genome position (GRCh38, 1-based): chr17:44,865,069-44,865,085, TGAGGGTGTAAGACACC deleted on the plus strand (GGTGTCTTACACCCTCA on the coding strand, the reverse complement: EFTUD2 is on the minus strand). VCF-style (leftmost placement, unchanged base first): chr17-44865068-GTGAGGGTGTAAGACACC-G. GRCh37 (hg19) VCF-style: chr17-42942436-GTGAGGGTGTAAGACACC-G.
Other names: c.1045-20_1045-4del (NM_001142605.2); c.1120-20_1120-4del (NM_001258354.2); c.1150-20_1150-4del (NM_001258353.2).
Identifiers: ClinVar variation 1468505 (VCV001468505.1), dbSNP rs2145478554, ClinGen allele CA2573153953.

ClinVar aggregate classification (germline): Uncertain significance (1 of 4 stars; one submission).

Submission:

Labcorp Genetics (formerly Invitae), Labcorp
Classification: Uncertain significance. Last evaluated: 2021-09-30. Review status: criteria provided, single submitter. Criteria: Invitae Variant Classification Sherloc (09022015). Collection method: clinical testing. Allele origin: germline.
Comment: This sequence change falls in intron 13 of the EFTUD2 gene. It does not directly change the encoded amino acid sequence of the EFTUD2 protein. This variant is not present in population databases (ExAC no frequency). This variant has not been reported in the literature in individuals affected with EFTUD2-related conditions. Algorithms developed to predict the effect of sequence changes on RNA splicing suggest that this variant may disrupt the consensus splice site. In summary, the available evidence is currently insufficient to determine the role of this variant in disease. Therefore, it has been classified as a Variant of Uncertain Significance.